The following is an entry in ClinVar:

ClinVar aggregate classification (germline): Conflicting classifications of pathogenicity. Review status: criteria provided, conflicting classifications (1 of 4 stars). 2 submissions from 2 submitters: Likely pathogenic (1); Uncertain significance (1). Last evaluated 2026-07-21.

Conditions:
Neurofibromatosis, type 1 (NF1). Also called: Neurofibromatosis, type I; NEUROFIBROMATOSIS, TYPE I, SOMATIC; VON RECKLINGHAUSEN DISEASE; Peripheral type neurofibromatosis. Identifiers: Orphanet 636, MedGen C0027831, MONDO:0018975, OMIM 162200. Disease mechanism: loss of function.
Cardiovascular phenotype. Identifiers: MedGen CN230736.
Hereditary cancer-predisposing syndrome. Also called: Neoplastic Syndromes, Hereditary; Tumor predisposition; Hereditary Cancer Syndrome; Hereditary neoplastic syndrome. Identifiers: Orphanet 140162, MedGen C0027672, MeSH D009386, MONDO:0015356.

Submissions (2):

Ambry Genetics
Classification: Likely pathogenic for Cardiovascular phenotype; Hereditary cancer-predisposing syndrome. Last evaluated: 2026-07-21. Review status: criteria provided, single submitter. Criteria: Ambry Variant Classification Scheme 2023. Collection method: clinical testing. Allele origin: germline.
Comment: The c.4515-21T>G intronic variant results from a T to G substitution 21 nucleotides upstream from coding exon 34 in the NF1 gene. This variant was reported in individual(s) with features consistent with Neurofibromatosis type 1 (Giugliano T et al. Genes (Basel), 2019 Jul;10:; Ambry internal data). This nucleotide position is highly conserved in available vertebrate species. In silico splice site analysis predicts that this alteration may weaken the native splice acceptor site; however, direct evidence is insufficient at this time (Ambry internal data). This variant is considered to be rare based on population cohorts in the Genome Aggregation Database (gnomAD). Based on the majority of available evidence to date, this variant is likely to be pathogenic.

Dasa
Classification: Uncertain significance for neurofibromatosis type 1. Last evaluated: 2025-10-16. Review status: criteria provided, single submitter. Criteria: DASA Assertion Criteria. Collection method: clinical testing. Allele origin: germline.
Comment: NM_001042492.3(NF1):c.4578-21T>G is an intronic variant. This variant is absent from population databases. Computational prediction algorithms are consistent with a deleterious effect. The currently available literature and clinical evidence are not sufficient to establish a definitive association between this variant and the reported condition. Therefore, this variant is classified as a variant of uncertain significance.

Literature cited by the submitters: PubMed 31370276 (cited by Ambry Genetics).

NM_001042492.3(NF1):c.4578-21T>G

Gene: NF1 (neurofibromin 1; plus strand). Cytogenetic location: 17q11.2.
Variant type: single nucleotide variant.
Coding change: c.4578-21T>G on transcript NM_001042492.3 (MANE Select); 21 bases into the intron before coding-DNA position 4578, T replaced by G.
Molecular consequence: intron variant.
Genome position (GRCh38, 1-based): chr17:31,261,690, T>G. VCF-style: chr17-31261690-T-G. GRCh37 (hg19) VCF-style: chr17-29588708-T-G.
Other names: c.4515-21T>G (NM_000267.4).
Identifiers: ClinVar variation 4860856 (VCV004860856.4).
Genomic context (GRCh38, chr17:31,261,690, plus strand): 5'-GCAACCAGTTACAAGTTAAAGAAATGTGTAGTGCTAAATGTGAACTGCTAATTTTTTTTC[T>G]AAGTAGTTTGCTGTATCTAGGGATCATAAAGCTGTTGGAAGACGACCTTTTGATAAGATG-3'